The following is an entry in ClinVar:

ClinVar aggregate classification (germline): Uncertain significance (1 of 4 stars; one submission).

Conditions:
Facioscapulohumeral muscular dystrophy 2 (FSHD2). Also called: MUSCULAR DYSTROPHY, FACIOSCAPULOHUMERAL, TYPE 1B; FACIOSCAPULOHUMERAL MUSCULAR DYSTROPHY 2, DIGENIC; FSHD2, DIGENIC. Identifiers: Orphanet 269, MedGen C1834671, MONDO:0008031, OMIM 158901.

gnomAD v4.1: 4 of 1,580,512 alleles (0.00025%); highest among the groups gnomAD compares: Non-Finnish European, 0.00026%; no homozygotes.

Submission:

Labcorp Genetics (formerly Invitae), Labcorp
Classification: Uncertain significance for Facioscapulohumeral muscular dystrophy 2. Last evaluated: 2025-02-13. Review status: criteria provided, single submitter. Criteria: Invitae Variant Classification Sherloc (09022015). Collection method: clinical testing. Allele origin: germline.
Comment: This sequence change replaces leucine, which is neutral and non-polar, with histidine, which is basic and polar, at codon 1908 of the SMCHD1 protein (p.Leu1908His). This variant is not present in population databases (gnomAD no frequency). This variant has not been reported in the literature in individuals affected with SMCHD1-related conditions. Invitae Evidence Modeling of protein sequence and biophysical properties (such as structural, functional, and spatial information, amino acid conservation, physicochemical variation, residue mobility, and thermodynamic stability) indicates that this missense variant is not expected to disrupt SMCHD1 protein function with a negative predictive value of 80%. In summary, the available evidence is currently insufficient to determine the role of this variant in disease. Therefore, it has been classified as a Variant of Uncertain Significance.

NM_015295.3(SMCHD1):c.5723T>A (p.Leu1908His)

Gene: SMCHD1 (structural maintenance of chromosomes flexible hinge domain containing 1; plus strand). Cytogenetic location: 18p11.32.
Variant type: single nucleotide variant.
Coding change: c.5723T>A on transcript NM_015295.3 (MANE Select); coding-DNA position 5723, T replaced by A.
Protein change: p.Leu1908His; replaces leucine 1908 with histidine.
Molecular consequence: missense variant.
Genome position (GRCh38, 1-based): chr18:2,795,952, T>A. VCF-style: chr18-2795952-T-A. GRCh37 (hg19) VCF-style: chr18-2795950-T-A.
Other names: short protein forms L1908H.
Identifiers: ClinVar variation 3661015 (VCV003661015.2).
Genomic context (GRCh38, chr18:2,795,952, plus strand): 5'-AACATGAGTTTGGTTTAATAGCAGTAATTTAATCAAATGCATTTGGTTTCTTTACAGATC[T>A]TCTTCAGCAGTATCGTTCTGCTGTGTGCAAACTAGACAGTGTGAATAAGGATCTTAACAG-3'
Protein context (NP_056110.2, residues 1898-1918): QCLILGEQID[Leu1908His]LQQYRSAVCK